The following is an entry in ClinVar:

NM_006258.4(PRKG1):c.410T>C (p.Val137Ala)

Gene: PRKG1 (protein kinase cGMP-dependent 1; plus strand). Cytogenetic location: 10q21.1.
Variant type: single nucleotide variant.
Coding change: c.410T>C on transcript NM_006258.4 (MANE Select); coding-DNA position 410, T replaced by C.
Protein change: p.Val137Ala; replaces valine 137 with alanine.
Molecular consequence: missense variant.
Genome position (GRCh38, 1-based): chr10:51,153,262, T>C. VCF-style: chr10-51153262-T-C. GRCh37 (hg19) VCF-style: chr10-52913022-T-C.
Other names: c.365T>C, p.Val122Ala (NM_001098512.3); c.410T>C, p.Val137Ala (NM_001374782.1); short protein forms V122A, V137A.
Identifiers: ClinVar variation 2842640 (VCV002842640.3), dbSNP rs2538641778, ClinGen allele CA376827509.
Genomic context (GRCh38, chr10:51,153,262, plus strand): 5'-ACTTTATGAAGAACTTGGAGCTGTCGCAGATCCAGGAGATTGTGGATTGTATGTACCCGG[T>C]GGAGTATGGCAAGGACAGTTGCATCATCAAAGAAGGAGACGTGGGGTCACTGGTGTATGT-3'
Protein context (NP_006249.1, residues 127-147): IQEIVDCMYP[Val137Ala]EYGKDSCIIK

ClinVar aggregate classification (germline): Uncertain significance (1 of 4 stars; one submission).

Conditions:
Aortic aneurysm, familial thoracic 8 (AAT8). Identifiers: MedGen C3809513, MONDO:0014187, OMIM 615436.

Submission:

Labcorp Genetics (formerly Invitae), Labcorp
Classification: Uncertain significance for Aortic aneurysm, familial thoracic 8. Last evaluated: 2023-08-18. Review status: criteria provided, single submitter. Criteria: Invitae Variant Classification Sherloc (09022015). Collection method: clinical testing. Allele origin: germline.
Comment: This variant is not present in population databases (gnomAD no frequency). This variant has not been reported in the literature in individuals affected with PRKG1-related conditions. An algorithm developed to predict the effect of missense changes on protein structure and function (PolyPhen-2) suggests that this variant is likely to be tolerated. In summary, the available evidence is currently insufficient to determine the role of this variant in disease. Therefore, it has been classified as a Variant of Uncertain Significance. This sequence change replaces valine, which is neutral and non-polar, with alanine, which is neutral and non-polar, at codon 137 of the PRKG1 protein (p.Val137Ala).